The following is an entry in ClinVar:

ClinVar aggregate classification (germline): Uncertain significance. Review status: criteria provided, multiple submitters, no conflicts (2 of 4 stars). 2 submissions from 2 submitters: Uncertain significance (2). Last evaluated 2024-10-27.

Conditions:
Cardiovascular phenotype. Identifiers: MedGen CN230736.

gnomAD v4.1: 11 of 1,550,166 alleles (0.00071%); highest among the groups gnomAD compares: Non-Finnish European, 0.00096%; no homozygotes.

Submissions (2):

Ambry Genetics
Classification: Uncertain significance for Cardiovascular phenotype. Last evaluated: 2024-10-27. Review status: criteria provided, single submitter. Criteria: Ambry Variant Classification Scheme 2023. Collection method: clinical testing. Allele origin: germline.
Comment: The p.G392V variant (also known as c.1175G>T), located in coding exon 1 of the ZNF469 gene, results from a G to T substitution at nucleotide position 1175. The glycine at codon 392 is replaced by valine, an amino acid with dissimilar properties. This amino acid position is conserved. In addition, this alteration is predicted to be tolerated by in silico analysis. Since supporting evidence is limited at this time, the clinical significance of this alteration remains unclear.

Labcorp Genetics (formerly Invitae), Labcorp
Classification: Uncertain significance. Last evaluated: 2024-08-21. Review status: criteria provided, single submitter. Criteria: Invitae Variant Classification Sherloc (09022015). Collection method: clinical testing. Allele origin: germline.
Comment: This sequence change replaces glycine, which is neutral and non-polar, with valine, which is neutral and non-polar, at codon 392 of the ZNF469 protein (p.Gly392Val). The frequency data for this variant in the population databases is considered unreliable, as metrics indicate poor data quality at this position in the gnomAD database. This variant has not been reported in the literature in individuals affected with ZNF469-related conditions. ClinVar contains an entry for this variant (Variation ID: 1740570). An algorithm developed to predict the effect of missense changes on protein structure and function (PolyPhen-2) suggests that this variant¬¨‚Ä†is likely to be tolerated. Algorithms developed to predict the effect of sequence changes on RNA splicing suggest that this variant may create or strengthen a splice site. In summary, the available evidence is currently insufficient to determine the role of this variant in disease. Therefore, it has been classified as a Variant of Uncertain Significance.

NM_001367624.2(ZNF469):c.1175G>T (p.Gly392Val)

Gene: ZNF469 (zinc finger protein 469; plus strand). Cytogenetic location: 16q24.2.
Variant type: single nucleotide variant.
Coding change: c.1175G>T on transcript NM_001367624.2 (MANE Select); coding-DNA position 1175, G replaced by T.
Protein change: p.Gly392Val; replaces glycine 392 with valine.
Molecular consequence: missense variant.
Genome position (GRCh38, 1-based): chr16:88,428,645, G>T. VCF-style: chr16-88428645-G-T. GRCh37 (hg19) VCF-style: chr16-88495053-G-T.
Other names: NM_001127464.1:c.1175G>T; short protein forms G392V.
Identifiers: ClinVar variation 1740570 (VCV001740570.5), dbSNP rs1274891332, ClinGen allele CA397063601.